The following is an entry in ClinVar:

ClinVar aggregate classification (germline): Uncertain significance (1 of 4 stars; one submission).

Conditions:
Hereditary pheochromocytoma and paraganglioma. Also called: Hereditary paragangliomas and pheochromocytomas; Hereditary Paraganglioma-Pheochromocytoma Syndromes; Hereditary pheochromocytoma-paraganglioma. Identifiers: Orphanet 29072, MedGen C4274332, MONDO:0017366.

Submission:

Labcorp Genetics (formerly Invitae), Labcorp
Classification: Uncertain significance for Hereditary pheochromocytoma and paraganglioma. Last evaluated: 2024-03-25. Review status: criteria provided, single submitter. Criteria: Invitae Variant Classification Sherloc (09022015). Collection method: clinical testing. Allele origin: germline.
Comment: This sequence change replaces proline, which is neutral and non-polar, with arginine, which is basic and polar, at codon 234 of the TMEM127 protein (p.Pro234Arg). This variant is not present in population databases (gnomAD no frequency). This variant has not been reported in the literature in individuals affected with TMEM127-related conditions. An algorithm developed to predict the effect of missense changes on protein structure and function (PolyPhen-2) suggests that this variant is likely to be disruptive. In summary, the available evidence is currently insufficient to determine the role of this variant in disease. Therefore, it has been classified as a Variant of Uncertain Significance.

NM_017849.4(TMEM127):c.701C>G (p.Pro234Arg)

Gene: TMEM127 (transmembrane protein 127; minus strand). Cytogenetic location: 2q11.2.
Variant type: single nucleotide variant.
Coding change: c.701C>G on transcript NM_017849.4 (MANE Select); coding-DNA position 701, C replaced by G.
Protein change: p.Pro234Arg; replaces proline 234 with arginine.
Molecular consequence: missense variant.
Genome position (GRCh38, 1-based): chr2:96,253,824, G>C on the plus strand (C>G on the coding strand, the complement: TMEM127 is on the minus strand). VCF-style: chr2-96253824-G-C. GRCh37 (hg19) VCF-style: chr2-96919562-G-C.
Other names: c.701C>G, p.Pro234Arg (NM_001193304.3); c.449C>G, p.Pro150Arg (NM_001407282.1, NM_001407283.1); short protein forms P234R, P150R.
Identifiers: ClinVar variation 3647542 (VCV003647542.2).